The following is an entry in ClinVar:

NM_023068.4(SIGLEC1):c.453C>T (p.Leu151=)

Gene: SIGLEC1 (sialic acid binding Ig like lectin 1; minus strand). Cytogenetic location: 20p13.
Variant type: single nucleotide variant.
Coding change: c.453C>T on transcript NM_023068.4 (MANE Select); coding-DNA position 453, C replaced by T.
Protein change: p.Leu151=; no amino-acid change (leucine 151 retained).
Molecular consequence: synonymous variant.
Genome position (GRCh38, 1-based): chr20:3,705,997, G>A on the plus strand (C>T on the coding strand, the complement: SIGLEC1 is on the minus strand). VCF-style: chr20-3705997-G-A. GRCh37 (hg19) VCF-style: chr20-3686644-G-A.
Other names: c.453C>T, p.Leu151= (NM_001367089.1).
Identifiers: ClinVar variation 2652186 (VCV002652186.24), dbSNP rs772100214, ClinGen allele CA9747412.
Genomic context (GRCh38, chr20:3,705,997, plus strand): 5'-GACCTGCTCCTGCAGGCATACGTAGGGAGTGGAGCAGTTGAAGTCCACCTCTGTGCCCTC[G>A]AGAAGCTCCACCGGGGAGGCAATGGTGGGCACCCTGGGCTCCTCTGAGGACAGAGACAGC-3'
Protein context (NP_075556.1, residues 141-161): VPTIASPVEL[Leu151=]EGTEVDFNCS

ClinVar aggregate classification (germline): Likely benign (1 of 4 stars; one submission).

Allele frequency attached by ClinVar (database versions not stated): ExAC 0.00001.

Submission:

CeGaT Center for Human Genetics Tuebingen
Classification: Likely benign. Last evaluated: 2023-03-01. Review status: criteria provided, single submitter. Criteria: CeGaT Center For Human Genetics Tuebingen Variant Classification Criteria Version 2. Collection method: clinical testing. Allele origin: germline. Affected: yes. Observed: 1 variant allele.
Comment: SIGLEC1: BP4, BP7